The following is an entry in ClinVar:

NM_001286577.2(C2CD3):c.2755C>G (p.Leu919Val)

Gene: C2CD3 (C2 domain containing 3 centriole elongation regulator; minus strand). Cytogenetic location: 11q13.4.
Variant type: single nucleotide variant.
Coding change: c.2755C>G on transcript NM_001286577.2 (MANE Select); coding-DNA position 2755, C replaced by G.
Protein change: p.Leu919Val; replaces leucine 919 with valine.
Molecular consequence: missense variant.
Genome position (GRCh38, 1-based): chr11:74,098,233, G>C on the plus strand (C>G on the coding strand, the complement: C2CD3 is on the minus strand). VCF-style: chr11-74098233-G-C. GRCh37 (hg19) VCF-style: chr11-73809278-G-C.
Other names: c.2755C>G, p.Leu919Val (NM_015531.6); short protein forms L919V.
Identifiers: ClinVar variation 2957132 (VCV002957132.1), dbSNP rs17132707, ClinGen allele CA6182554.
Genomic context (GRCh38, chr11:74,098,233, plus strand): 5'-ACACATCAATCACAGGCATGTAGCTGTCGACAGCAACAACTGGGTACTGGGCATCCAGCA[G>C]CAGGCGAGAAATCTTAGCATCTCTAGAGGGGGAGAAATTGTGAATAAGCAAATAACAAGC-3'
Protein context (NP_001273506.1, residues 909-929): SFKDAKISRL[Leu919Val]LDAQYPVVAV

ClinVar aggregate classification (germline): Uncertain significance (1 of 4 stars; one submission).

Allele frequency attached by ClinVar (database versions not stated): 1000 Genomes Project 30x 0.00016.
gnomAD v4.1: 67 of 1,614,028 alleles (0.0042%); highest among the groups gnomAD compares: Admixed American, 0.01%; no homozygotes.

Submission:

Labcorp Genetics (formerly Invitae), Labcorp
Classification: Uncertain significance. Last evaluated: 2023-08-27. Review status: criteria provided, single submitter. Criteria: Invitae Variant Classification Sherloc (09022015). Collection method: clinical testing. Allele origin: germline.
Comment: This variant has not been reported in the literature in individuals affected with C2CD3-related conditions. This sequence change replaces leucine, which is neutral and non-polar, with valine, which is neutral and non-polar, at codon 919 of the C2CD3 protein (p.Leu919Val). This variant is present in population databases (rs17132707, gnomAD 0.009%). Advanced modeling of protein sequence and biophysical properties (such as structural, functional, and spatial information, amino acid conservation, physicochemical variation, residue mobility, and thermodynamic stability) performed at Invitae indicates that this missense variant is expected to disrupt C2CD3 protein function. In summary, the available evidence is currently insufficient to determine the role of this variant in disease. Therefore, it has been classified as a Variant of Uncertain Significance.